The following is an entry in ClinVar:

NM_001377265.1(MAPT):c.601C>T (p.Pro201Ser)

Gene: MAPT (microtubule associated protein tau). Cytogenetic location: 17q21.31.
Variant type: single nucleotide variant.
Coding change: c.601C>T on transcript NM_001377265.1 (MANE Select); coding-DNA position 601, C replaced by T.
Protein change: p.Pro201Ser; replaces proline 201 with serine.
Molecular consequence: missense variant. On other transcripts: intron variant (8).
Genome position (GRCh38, 1-based): chr17:45,983,180, C>T. VCF-style: chr17-45983180-C-T. GRCh37 (hg19) VCF-style: chr17-44060546-C-T.
Other names: c.376C>T, p.Pro126Ser (NM_001123066.4, NM_016835.5); c.601C>T, p.Pro201Ser (NM_001377266.1); c.200-3860C>T (NM_001377268.1, NM_016834.5, NM_016841.5); c.374-3860C>T (NM_005910.6, NM_001203252.2); c.287-3860C>T (NM_001123067.4, NM_001203251.2, NM_001377267.1); short protein forms P126S, P201S.
Identifiers: ClinVar variation 774042 (VCV000774042.27), dbSNP rs776821664, ClinGen allele CA8617666.

ClinVar aggregate classification (germline): Conflicting classifications of pathogenicity. Review status: criteria provided, conflicting classifications (1 of 4 stars). 2 submissions from 2 submitters: Uncertain significance (1); Likely benign (1). Last evaluated 2024-01-01.

Allele frequency attached by ClinVar (database versions not stated): TOPMed 0.00001; gnomAD 0.00003 and 0.00004; ExAC 0.00008.
gnomAD v4.1: 82 of 1,608,128 alleles (0.0051%); highest among the groups gnomAD compares: Non-Finnish European, 0.0065%; no homozygotes.

Submissions (2):

CeGaT Center for Human Genetics Tuebingen
Classification: Uncertain significance. Last evaluated: 2024-01-01. Review status: criteria provided, single submitter. Criteria: CeGaT Center For Human Genetics Tuebingen Variant Classification Criteria Version 2. Collection method: clinical testing. Allele origin: germline. Affected: yes. Observed: 2 variant alleles.
Comment: MAPT: PM2, BP4

Labcorp Genetics (formerly Invitae), Labcorp
Classification: Likely benign. Last evaluated: 2018-07-02. Review status: criteria provided, single submitter. Criteria: Invitae Variant Classification Sherloc (09022015). Collection method: clinical testing. Allele origin: germline.